The following is an entry in ClinVar:

NM_176787.5(PIGN):c.2695A>G (p.Met899Val)

Gene: PIGN (phosphatidylinositol glycan anchor biosynthesis class N; minus strand). Cytogenetic location: 18q21.33.
Variant type: single nucleotide variant.
Coding change: c.2695A>G on transcript NM_176787.5 (MANE Select); coding-DNA position 2695, A replaced by G.
Protein change: p.Met899Val; replaces methionine 899 with valine.
Molecular consequence: missense variant.
Genome position (GRCh38, 1-based): chr18:62,045,957, T>C on the plus strand (A>G on the coding strand, the complement: PIGN is on the minus strand). VCF-style: chr18-62045957-T-C. GRCh37 (hg19) VCF-style: chr18-59713190-T-C.
Other names: c.2695A>G, p.Met899Val (NM_012327.6); short protein forms M899V.
Identifiers: ClinVar variation 1314418 (VCV001314418.2), dbSNP rs2144985860, ClinGen allele CA402723348.
Genomic context (GRCh38, chr18:62,045,957, plus strand): 5'-TCTTCGTTGTGAGCAGCTGGGCCAGGCCATTGAGGAACACCAAAAAGATGGTCATGGACA[T>C]GACAATCACATAGTGGCTGATGCTGCAAAAGGAGAAAAAGATGTTACAGGCAGAGAGAAC-3'
Protein context (NP_789744.1, residues 889-909): GTSISHYVIV[Met899Val]SMTIFLVFLN

ClinVar aggregate classification (germline): Uncertain significance (1 of 4 stars; one submission).

Allele frequency attached by ClinVar (database versions not stated): gnomAD exomes below 0.00001.

Submission:

GeneDx
Classification: Uncertain significance. Last evaluated: 2021-04-02. Review status: criteria provided, single submitter. Criteria: GeneDx Variant Classification Process June 2021. Collection method: clinical testing. Allele origin: germline. Affected: yes.
Comment: Not observed in large population cohorts (Lek et al., 2016); In silico analysis supports that this missense variant does not alter protein structure/function; Has not been previously published as pathogenic or benign to our knowledge